The following is an entry in ClinVar:

ClinVar aggregate classification (germline): Likely pathogenic (1 of 4 stars; one submission).

Submission:

Harry Perkins Institute Of Medical Research, University Of Western Australia
Classification: Likely pathogenic. Review status: criteria provided, single submitter. Criteria: ACMG Guidelines, 2015. Collection method: research. Allele origin: germline. Inheritance: Autosomal recessive inheritance. Affected: yes. Observed: 1 compound heterozygote.
Comment: PVS1, PM2. Identified in trans with SPRED2 c.880dup

NM_181784.3(SPRED2):c.776dup (p.Lys261fs)

Gene: SPRED2 (sprouty related EVH1 domain containing 2; minus strand). Cytogenetic location: 2p14.
Variant type: Duplication.
Coding change: c.776dup on transcript NM_181784.3 (MANE Select); coding-DNA position 776, one base duplicated (T; older notation c.776dupT).
Protein change: p.Lys261fs; shifts the reading frame from lysine 261.
Molecular consequence: frameshift variant.
Genome position (GRCh38, 1-based): chr2:65,313,982, A duplicated on the plus strand (T on the coding strand, the reverse complement: SPRED2 is on the minus strand). VCF-style (leftmost placement, unchanged base first): chr2-65313981-G-GA. GRCh37 (hg19) VCF-style: chr2-65541115-G-GA.
Other names: c.767dup, p.Lys258fs (NM_001128210.2); short protein forms K258fs, K261fs.
Identifiers: ClinVar variation 4857659 (VCV004857659.1).